The following is an entry in ClinVar:

ClinVar aggregate classification (germline): Uncertain significance (1 of 4 stars; one submission).

Submission:

Ambry Genetics
Classification: Uncertain significance. Last evaluated: 2025-04-11. Review status: criteria provided, single submitter. Criteria: Ambry Variant Classification Scheme 2023. Collection method: clinical testing. Allele origin: germline.
Comment: The p.P36R variant (also known as c.107C>G), located in coding exon 1 of the WNK2 gene, results from a C to G substitution at nucleotide position 107. The proline at codon 36 is replaced by arginine, an amino acid with dissimilar properties. This amino acid position is conserved. In addition, this alteration is predicted to be tolerated by in silico analysis. Based on the available evidence, the clinical significance of this variant remains unclear.

NM_006648.4(WNK2):c.107C>G (p.Pro36Arg)

Gene: WNK2 (WNK lysine deficient protein kinase 2; plus strand). Cytogenetic location: 9q22.31.
Variant type: single nucleotide variant.
Coding change: c.107C>G on transcript NM_006648.4 (MANE Select); coding-DNA position 107, C replaced by G.
Protein change: p.Pro36Arg; replaces proline 36 with arginine.
Molecular consequence: missense variant.
Genome position (GRCh38, 1-based): chr9:93,185,036, C>G. VCF-style: chr9-93185036-C-G. GRCh37 (hg19) VCF-style: chr9-95947318-C-G.
Other names: c.107C>G, p.Pro36Arg (NM_001282394.3); short protein forms P36R.
Identifiers: ClinVar variation 3981853 (VCV003981853.1).